The following continues an entry in ClinVar:

NM_001042492.3(NF1):c.1466A>G (p.Tyr489Cys)

Gene: NF1. ClinVar aggregate classification (germline): Pathogenic. Pathogenic (33). ClinVar aggregate classification (somatic clinical impact): Tier II - Potential. ClinVar aggregate classification (oncogenicity): Likely oncogenic.

Submissions 30 to 40 of 40:

Center for Genomics, Ann and Robert H. Lurie Children's Hospital of Chicago
Classification: Pathogenic for Neurofibromatosis, type 1. Last evaluated: 2017-08-01. Review status: criteria provided, single submitter. Criteria: ACMG Guidelines, 2015. Collection method: clinical testing. Allele origin: germline.
Comment: NF1 NM_001042492.2 exon1 p.Tyr489Cys (c.1466A>G): This variant has been reported in >10 individuals with Neurofibromatosis type 1 (NF1), including 1 individual in which this variant was de novo (Messiaen 1999 PMID: 11258625, Ars 2000 PMID:10607834, Messiaen 2000 PMID:10862084, Bongiomo 2008 PMID:19076627, Laycock-van Spyk 2011 PMID:22155606, Ribeiro 2012 PMID:22190595, Laurito 2015 PMID:25919870, Zhang 2015 PMID:26056819). This variant segregated with disease in 2 affected family members (Ars 2000 PMID:10607834). This variant is present in 3/245628 individuals of different ethnicities in the Genome Aggregation Database. Please note, disease causing variants may be present in control databases at low frequencies, reflective of the general population and/or variable expressivity. This variant is present in ClinVar (Variation ID:354). Evolutionary conservation and computational predictive tools for this variant are unclear. Of note, functional studies have shown a deleterious effect of this variant, resulting in the creation of a new splice site (Messiaen 1999 PMID: 11258625, Ars 2000 PMID:10607834, Messiaen 2000 PMID:10862084). In summary, this variant is classified as pathogenic based on the data above (presence of this variant in affected probands, presence as a de novo and predicted impact to protein).

ARUP Laboratories, Molecular Genetics and Genomics, ARUP Laboratories
Classification: Pathogenic. Last evaluated: 2017-07-06. Review status: criteria provided, single submitter. Criteria: ARUP Molecular Germline Variant Investigation Process. Collection method: clinical testing. Allele origin: germline.

Center for Human Genetics, Inc
Classification: Pathogenic for Neurofibromatosis, type 1. Last evaluated: 2016-11-01. Review status: criteria provided, single submitter. Criteria: ACMG Guidelines, 2015. Collection method: clinical testing. Allele origin: germline. Affected: yes.

Ambry Genetics
Classification: Pathogenic for Hereditary cancer-predisposing syndrome. Last evaluated: 2014-07-11. Review status: criteria provided, single submitter. Criteria: Ambry Autosomal Dominant and X-Linked criteria (10/2015). Collection method: clinical testing. Allele origin: germline. Observed: 1 variant allele.
Comment: The p.Y489C pathogenic mutation (also known as c.1466A>G), located in coding exon 13 of the NF1 gene, results from an A to G substitution at nucleotide position 1466. This is a recurrent mutation that has been detected in multiple cohorts of NF1 patients (<span style="background-color: initial;">Messiaen LM et al. Genet. Med. 1999; 1(6):248-53,<span style="background-color: initial;">Nemethova M et al. Ann. Hum. Genet. 2013 Sep; 77(5):364-79, Ko JM et al. Pediatr. Neurol. 2013 Jun; 48(6):447-53). Messiaen et al (1999) first described this mutation in 5 patients meeting NIH criteria for NF1 and demonstrated that this alteration creates a novel splice site, resulting in skipping of the last 62 nucleotides of coding exon 13 and truncation of the protein. Functional studies performed in this study were also consistent with a splicing defect resulting in a truncated protein. Based on the available evidence, p.Y489C is classified as a pathogenic mutation.

Juno Genomics, Hangzhou Juno Genomics, Inc
Classification: Pathogenic for Juvenile myelomonocytic leukemia; Neurofibromatosis-Noonan syndrome; Neurofibromatosis, familial spinal; Neurofibromatosis, type 1; Café-au-lait macules with pulmonary stenosis. Review status: criteria provided, single submitter. Criteria: ACMG Guidelines, 2015. Collection method: clinical testing. Allele origin: germline. Affected: yes.
Comment: Absent from controls (or at extremely low frequency if recessive) in Genome Aggregation Database.;Well-established in vitro or in vivo functional studies supportive of a damaging effect on the gene or gene product.;The prevalence of the variant in affected individuals is significantly increased compared to the prevalence in controls.;Assumed de novo, but without confirmation of paternity and maternity.;Patient's phenotype or family history is highly specific for a disease with a single genetic etiology.;Co-segregation with disease in multiple affected family members.

Suma Genomics
Classification: Pathogenic for Neurofibromatosis, type 1. Review status: criteria provided, single submitter. Criteria: ACMG Guidelines, 2015. Collection method: clinical testing. Allele origin: germline. Inheritance: Autosomal dominant inheritance. Affected: yes. Observed: 1 heterozygote.

PreventionGenetics, part of Exact Sciences
Classification: Pathogenic for NF1-related condition. Last evaluated: 2024-06-19. Review status: no assertion criteria provided. Collection method: clinical testing. Allele origin: germline. Not counted in ClinVar's aggregate classification.
Comment: The NF1 c.1466A>G variant is predicted to result in the amino acid substitution p.Tyr489Cys. This variant has been reported in many individuals with neurofibromatosis type 1 (see for example - Messiaen et al. 1999. PubMed ID: 11258625; Table S2, Laycock-van Spyk et al. 2011. PubMed ID: 22155606; Tsipi et al. 2018. PubMed ID: 30308447). Splicing analysis found this variant results in aberrant splicing that is predicted to result in a frameshift and premature protein termination (Messiaen et al. 1999. PubMed ID: 11258625; Table S1, Zhang et al. 2015. PubMed ID: 26056819). This variant is reported in 0.0062% of alleles in individuals of African descent in gnomAD and has been interpreted as pathogenic in ClinVar. This variant is interpreted as pathogenic.

Human Genome Sequencing Center Clinical Lab, Baylor College of Medicine
Classification: Pathogenic for Rhabdomyosarcoma. Last evaluated: 2020-09-01. Review status: no assertion criteria provided. Collection method: provider interpretation. Allele origin: germline. Affected: yes. Not counted in ClinVar's aggregate classification.

OMIM
Classification: Pathogenic for NEUROFIBROMATOSIS, TYPE I. Last evaluated: 2003-02-01. Review status: no assertion criteria provided. Collection method: literature only. Allele origin: germline. Not counted in ClinVar's aggregate classification.

Clinical Genetics DNA and cytogenetics Diagnostics Lab, Erasmus MC, Erasmus Medical Center
Classification: Pathogenic. Review status: no assertion criteria provided. Collection method: clinical testing. Allele origin: germline. Affected: yes. Study: VKGL Data-share Consensus. Not counted in ClinVar's aggregate classification.

Joint Genome Diagnostic Labs from Nijmegen and Maastricht, Radboudumc and MUMC+
Classification: Pathogenic. Review status: no assertion criteria provided. Collection method: clinical testing. Allele origin: germline. Affected: yes. Study: VKGL Data-share Consensus. Not counted in ClinVar's aggregate classification.

Literature cited by the submitters: PubMed 11258625 (cited by 10 submitters); PubMed 33673681 (cited by Myriad Genetics, Inc. and Hema, HEMA – Genetic and Molecular Diagnostic Laboratory); PubMed 12807981 (cited by Myriad Genetics, Inc.); PubMed 26056819 (cited by Myriad Genetics, Inc. and Hema, HEMA – Genetic and Molecular Diagnostic Laboratory); PubMed 23758643 (cited by 7 submitters); PubMed 26740943 (cited by 3 submitters); PubMed 25325900 (cited by Myriad Genetics, Inc.); PubMed 38374194 (cited by Myriad Genetics, Inc.); PubMed 10543400 (cited by 6 submitters); PubMed 10607834 (cited by 6 submitters); PubMed 10862084 (cited by 6 submitters); PubMed 19076627 (cited by 3 submitters); PubMed 22155606 (cited by 5 submitters); PubMed 22190595 (cited by 5 submitters); PubMed 31533797 (cited by 3 submitters); PubMed 30308447 (cited by Dasa); PubMed 27074763 (cited by 3 submitters); PubMed 32471518 (cited by Hema, HEMA – Genetic and Molecular Diagnostic Laboratory); PubMed 34782607 (cited by Hema, HEMA – Genetic and Molecular Diagnostic Laboratory); PubMed 34945792 (cited by Hema, HEMA – Genetic and Molecular Diagnostic Laboratory); PubMed 17426081 (cited by 3 submitters); PubMed 23668869 (cited by 4 submitters); PubMed 28422438 (cited by 3 submitters); PubMed 33999308 (cited by Hema, HEMA – Genetic and Molecular Diagnostic Laboratory); PubMed 34427956 (cited by Hema, HEMA – Genetic and Molecular Diagnostic Laboratory and Pittsburgh Clinical Genomics Laboratory, University of Pittsburgh Medical Center); PubMed 35885913 (cited by Hema, HEMA – Genetic and Molecular Diagnostic Laboratory); PubMed 37751797 (cited by Hema, HEMA – Genetic and Molecular Diagnostic Laboratory); PubMed 38344572 (cited by Hema, HEMA – Genetic and Molecular Diagnostic Laboratory); PubMed 32716568 (cited by Institute for Genomic Medicine (IGM) Clinical Laboratory, Nationwide Children's Hospital); PubMed 20714782 (cited by Institute for Genomic Medicine (IGM) Clinical Laboratory, Nationwide Children's Hospital); PubMed 12719945 (cited by Institute for Genomic Medicine (IGM) Clinical Laboratory, Nationwide Children's Hospital); PubMed 10204844 (cited by Institute for Genomic Medicine (IGM) Clinical Laboratory, Nationwide Children's Hospital); PubMed 10094256 (cited by Institute for Genomic Medicine (IGM) Clinical Laboratory, Nationwide Children's Hospital); PubMed 27322474 (cited by Athena Diagnostics and Quest Diagnostics Nichols Institute San Juan Capistrano); PubMed 26969325 (cited by Athena Diagnostics and Quest Diagnostics Nichols Institute San Juan Capistrano); PubMed 24789688 (cited by Athena Diagnostics and Quest Diagnostics Nichols Institute San Juan Capistrano); PubMed 10712197 (cited by Athena Diagnostics and Quest Diagnostics Nichols Institute San Juan Capistrano); PubMed 12566521 (cited by OMIM).